The following is an entry in ClinVar:

ClinVar aggregate classification (germline): Uncertain significance (1 of 4 stars; one submission).

Conditions:
Gorlin syndrome. Also called: Nevoid Basal Cell Carcinoma Syndrome; Basal cell nevus syndrome. Identifiers: Orphanet 377, MedGen C0004779, MONDO:0007187.

Submission:

Labcorp Genetics (formerly Invitae), Labcorp
Classification: Uncertain significance for Gorlin syndrome. Last evaluated: 2021-08-26. Review status: criteria provided, single submitter. Criteria: Invitae Variant Classification Sherloc (09022015). Collection method: clinical testing. Allele origin: germline.
Comment: This sequence change replaces tyrosine with asparagine at codon 668 of the PTCH1 protein (p.Tyr668Asn). The tyrosine residue is moderately conserved and there is a large physicochemical difference between tyrosine and asparagine. In summary, the available evidence is currently insufficient to determine the role of this variant in disease. Therefore, it has been classified as a Variant of Uncertain Significance. Advanced modeling of protein sequence and biophysical properties (such as structural, functional, and spatial information, amino acid conservation, physicochemical variation, residue mobility, and thermodynamic stability) performed at Invitae indicates that this missense variant is not expected to disrupt PTCH1 protein function. This variant has not been reported in the literature in individuals affected with PTCH1-related conditions. This variant is not present in population databases (ExAC no frequency).

NM_000264.5(PTCH1):c.2002T>A (p.Tyr668Asn)

Genes: PTCH1 (patched 1; minus strand), LOC100507346 (uncharacterized LOC100507346; plus strand). Cytogenetic location: 9q22.32.
Variant type: single nucleotide variant.
Coding change: c.2002T>A on transcript NM_000264.5 (MANE Select); coding-DNA position 2002, T replaced by A.
Protein change: p.Tyr668Asn; replaces tyrosine 668 with asparagine.
Molecular consequence: missense variant. On other transcripts: non-coding transcript variant (2).
Genome position (GRCh38, 1-based): chr9:95,468,999, A>T on the plus strand (T>A on the coding strand, the complement: PTCH1 is on the minus strand). VCF-style: chr9-95468999-A-T. GRCh37 (hg19) VCF-style: chr9-98231281-A-T.
Other names: c.1804T>A, p.Tyr602Asn (NM_001083602.3); c.1999T>A, p.Tyr667Asn (NM_001083603.3); c.1549T>A, p.Tyr517Asn (NM_001083604.3, NM_001083605.3, NM_001083606.3 and 1 more transcripts); c.1846T>A, p.Tyr616Asn (NM_001354918.2); short protein forms Y616N, Y667N, Y668N, Y602N, Y517N.
Identifiers: ClinVar variation 1413359 (VCV001413359.6), dbSNP rs1564033766, ClinGen allele CA374115867.
Genomic context (GRCh38, chr9:95,468,999, plus strand): 5'-GCACAGAGATCTCGGAGCGCGGCTCAGCGGTGGTGTAGTACACGTGCGTGTGGGGGTCGT[A>T]CTCCGTGCGGAGCTGGACAGTGGACTGCATGGTAATCTGCGTTTCATGGGCAAAGCTGTG-3'
Protein context (NP_000255.2, residues 658-678): MQSTVQLRTE[Tyr668Asn]DPHTHVYYTT